The following is an entry in ClinVar:

NM_001999.4(FBN2):c.1411G>T (p.Val471Phe)

Gene: FBN2 (fibrillin 2; minus strand). Cytogenetic location: 5q23.3.
Variant type: single nucleotide variant.
Coding change: c.1411G>T on transcript NM_001999.4 (MANE Select); coding-DNA position 1411, G replaced by T.
Protein change: p.Val471Phe; replaces valine 471 with phenylalanine.
Molecular consequence: missense variant.
Genome position (GRCh38, 1-based): chr5:128,393,189, C>A on the plus strand (G>T on the coding strand, the complement: FBN2 is on the minus strand). VCF-style: chr5-128393189-C-A. GRCh37 (hg19) VCF-style: chr5-127728882-C-A.
Other names: short protein forms V471F.
Identifiers: ClinVar variation 2625457 (VCV002625457.2), dbSNP rs138046782, ClinGen allele CA360749090.

ClinVar aggregate classification (germline): Uncertain significance (1 of 4 stars; one submission).

Conditions:
Familial thoracic aortic aneurysm and aortic dissection (TAAD). Also called: Thoracic aortic aneurysms and dissections. Identifiers: Orphanet 91387, MedGen C4707243, MONDO:0019625.

gnomAD v4.1: 29 of 1,614,194 alleles (0.0018%); highest among the groups gnomAD compares: Non-Finnish European, 0.0025%; no homozygotes.

Submission:

Ambry Genetics
Classification: Uncertain significance for Familial thoracic aortic aneurysm and aortic dissection. Last evaluated: 2023-07-31. Review status: criteria provided, single submitter. Criteria: Ambry Variant Classification Scheme 2023. Collection method: clinical testing. Allele origin: germline.
Comment: The p.V471F variant (also known as c.1411G>T), located in coding exon 10 of the FBN2 gene, results from a G to T substitution at nucleotide position 1411. The valine at codon 471 is replaced by phenylalanine, an amino acid with highly similar properties. This amino acid position is well conserved in available vertebrate species. In addition, the in silico prediction for this alteration is inconclusive. Since supporting evidence is limited at this time, the clinical significance of this alteration remains unclear.